The following is an entry in ClinVar:

NM_002292.4(LAMB2):c.876T>C (p.Cys292=)

Gene: LAMB2 (laminin subunit beta 2; minus strand). Cytogenetic location: 3p21.31.
Variant type: single nucleotide variant.
Coding change: c.876T>C on transcript NM_002292.4 (MANE Select); coding-DNA position 876, T replaced by C.
Protein change: p.Cys292=; no amino-acid change (cysteine 292 retained).
Molecular consequence: synonymous variant.
Genome position (GRCh38, 1-based): chr3:49,130,989, A>G on the plus strand (T>C on the coding strand, the complement: LAMB2 is on the minus strand). VCF-style: chr3-49130989-A-G. GRCh37 (hg19) VCF-style: chr3-49168422-A-G.
Other names: c.876T>C (NM_002292.3).
Identifiers: ClinVar variation 2076357 (VCV002076357.5), dbSNP rs764168699, ClinGen allele CA2394780.
Genomic context (GRCh38, chr3:49,130,989, plus strand): 5'-CAACCGTCTGAAGCCCCTTACCATGCCCTCAGCATGGGCTGGTGCCCCTGGGGCGGGTGC[A>G]CACTCTGAGGCGTGTCCGTAGCAGAAGCAGTTGCCACGTACAACCAGCTCATAGAGGGCA-3'
Protein context (NP_002283.3, residues 282-302): NCFCYGHASE[Cys292=]APAPGAPAHA

ClinVar aggregate classification (germline): Likely benign. Review status: criteria provided, single submitter (1 of 4 stars). 2 submissions from 2 submitters: Likely benign (1). 1 of the submissions does not count toward it. Last evaluated 2025-12-26.

Conditions:
Pierson syndrome. Also called: MICROCORIA-CONGENITAL NEPHROTIC SYNDROME. Identifiers: Orphanet 2670, MedGen C1836876, MONDO:0012184, OMIM 609049.
LAMB2-related infantile-onset nephrotic syndrome. Also called: Nephrotic Syndrome, type 5; NEPHROTIC SYNDROME, TYPE 5, WITHOUT OCULAR ABNORMALITIES; NEPHROTIC SYNDROME, TYPE 5, WITH OCULAR ABNORMALITIES. Identifiers: Orphanet 306507, MedGen C3280113, MONDO:0013621, OMIM 614199.
LAMB2-related disorder. Also called: LAMB2-related condition.

Allele frequency attached by ClinVar (database versions not stated): gnomAD exomes below 0.00001; ExAC 0.00001; gnomAD 0.00002; TOPMed 0.00002.
gnomAD v4.1: 4 of 1,613,904 alleles (0.00025%); highest among the groups gnomAD compares: African/African-American, 0.0053%; no homozygotes.

Submissions (2):

Labcorp Genetics (formerly Invitae), Labcorp
Classification: Likely benign for LAMB2-related infantile-onset nephrotic syndrome; Pierson syndrome. Last evaluated: 2025-12-26. Review status: criteria provided, single submitter. Criteria: Invitae Variant Classification Sherloc (09022015). Collection method: clinical testing. Allele origin: germline.

PreventionGenetics, part of Exact Sciences
Classification: Likely benign for LAMB2-related condition. Last evaluated: 2024-06-13. Review status: no assertion criteria provided. Collection method: clinical testing. Allele origin: germline. Not counted in ClinVar's aggregate classification.
Comment: This variant is classified as likely benign based on ACMG/AMP sequence variant interpretation guidelines (Richards et al. 2015 PMID: 25741868, with internal and published modifications).